The following is an entry in ClinVar:

ClinVar aggregate classification (germline): Uncertain significance. Review status: criteria provided, multiple submitters, no conflicts (2 of 4 stars). 2 submissions from 2 submitters: Uncertain significance (2). Last evaluated 2025-03-01.

Conditions:
Hereditary cancer-predisposing syndrome. Also called: Hereditary Cancer Syndrome; Tumor predisposition; Hereditary neoplastic syndrome; Neoplastic Syndromes, Hereditary. Identifiers: Orphanet 140162, MedGen C0027672, MeSH D009386, MONDO:0015356.
Gorlin syndrome. Also called: Basal cell nevus syndrome; Nevoid Basal Cell Carcinoma Syndrome. Identifiers: Orphanet 377, MedGen C0004779, MONDO:0007187.

Submissions (2):

Ambry Genetics
Classification: Uncertain significance for Hereditary cancer-predisposing syndrome. Last evaluated: 2025-03-01. Review status: criteria provided, single submitter. Criteria: Ambry Variant Classification Scheme 2023. Collection method: clinical testing. Allele origin: germline.
Comment: The p.G1363D variant (also known as c.4088G>A), located in coding exon 23 of the PTCH1 gene, results from a G to A substitution at nucleotide position 4088. The glycine at codon 1363 is replaced by aspartic acid, an amino acid with similar properties. This amino acid position is conserved. In addition, this alteration is predicted to be tolerated by in silico analysis. Based on the available evidence, the clinical significance of this variant remains unclear.

Labcorp Genetics (formerly Invitae), Labcorp
Classification: Uncertain significance for Gorlin syndrome. Last evaluated: 2024-12-18. Review status: criteria provided, single submitter. Criteria: Invitae Variant Classification Sherloc (09022015). Collection method: clinical testing. Allele origin: germline.
Comment: This sequence change replaces glycine, which is neutral and non-polar, with aspartic acid, which is acidic and polar, at codon 1363 of the PTCH1 protein (p.Gly1363Asp). This variant is not present in population databases (gnomAD no frequency). This variant has not been reported in the literature in individuals affected with PTCH1-related conditions. Invitae Evidence Modeling of protein sequence and biophysical properties (such as structural, functional, and spatial information, amino acid conservation, physicochemical variation, residue mobility, and thermodynamic stability) indicates that this missense variant is not expected to disrupt PTCH1 protein function with a negative predictive value of 95%. In summary, the available evidence is currently insufficient to determine the role of this variant in disease. Therefore, it has been classified as a Variant of Uncertain Significance.

NM_000264.5(PTCH1):c.4088G>A (p.Gly1363Asp)

Gene: PTCH1 (patched 1; minus strand). Cytogenetic location: 9q22.32.
Variant type: single nucleotide variant.
Coding change: c.4088G>A on transcript NM_000264.5 (MANE Select); coding-DNA position 4088, G replaced by A.
Protein change: p.Gly1363Asp; replaces glycine 1363 with aspartic acid.
Molecular consequence: missense variant. On other transcripts: non-coding transcript variant (1).
Genome position (GRCh38, 1-based): chr9:95,447,168, C>T on the plus strand (G>A on the coding strand, the complement: PTCH1 is on the minus strand). VCF-style: chr9-95447168-C-T. GRCh37 (hg19) VCF-style: chr9-98209450-C-T.
Other names: c.3890G>A, p.Gly1297Asp (NM_001083602.3); c.4085G>A, p.Gly1362Asp (NM_001083603.3); c.3635G>A, p.Gly1212Asp (NM_001083604.3, NM_001083605.3, NM_001083606.3 and 1 more transcripts); c.3932G>A, p.Gly1311Asp (NM_001354918.2); short protein forms G1212D, G1311D, G1362D, G1297D, G1363D.
Identifiers: ClinVar variation 3671913 (VCV003671913.3).